The following is an entry in ClinVar:

NM_004006.3(DMD):c.5139AGA[1] (p.Glu1714del)

Gene: DMD (dystrophin; minus strand). Cytogenetic location: Xp21.1.
Variant type: Microsatellite.
Coding change: c.5139AGA[1] on transcript NM_004006.3 (MANE Select); one copy of the 3-base unit AGA starting at c.5139; the reference has two copies in a row; one copy, 3 bases deleted.
Protein change: p.Glu1714del; deletes glutamic acid 1714.
Molecular consequence: inframe deletion.
Genome position (GRCh38, 1-based): chrX:32,364,592-32,364,594, TCT deleted on the plus strand (AGA on the coding strand, the reverse complement: DMD is on the minus strand); deleting any 3 consecutive bases within chrX:32,364,592-32,364,598 gives the same sequence; the position shown is the placement nearest the transcript's 3' end. VCF-style (leftmost placement, unchanged base first): chrX-32364591-GTCT-G. GRCh37 (hg19) VCF-style: chrX-32382708-GTCT-G.
Other names: c.5115AGA[1], p.Glu1706del (NM_000109.4); c.5127AGA[1], p.Glu1710del (NM_004009.3); c.4770AGA[1], p.Glu1591del (NM_004010.3); c.1116AGA[1], p.Glu373del (NM_004011.4); c.1107AGA[1], p.Glu370del (NM_004012.4); short protein forms E1706del, E1710del, E1714del, E373del, E370del, E1591del.
Identifiers: ClinVar variation 2004127 (VCV002004127.4), dbSNP rs2097847907, ClinGen allele CA2422769892.

ClinVar aggregate classification (germline): Uncertain significance (1 of 4 stars; one submission).

Conditions:
Duchenne muscular dystrophy (DMD). Also called: MUSCULAR DYSTROPHY, PSEUDOHYPERTROPHIC PROGRESSIVE, DUCHENNE TYPE; Duchenne Muscular Dystrophy (DMD). Identifiers: Orphanet 98896, MedGen C0013264, MONDO:0010679, OMIM 310200.

Submission:

Labcorp Genetics (formerly Invitae), Labcorp
Classification: Uncertain significance for Duchenne muscular dystrophy. Last evaluated: 2025-11-03. Review status: criteria provided, single submitter. Criteria: Invitae Variant Classification Sherloc (09022015). Collection method: clinical testing. Allele origin: germline.
Comment: This variant, c.5142_5144del, results in the deletion of 1 amino acid(s) of the DMD protein (p.Glu1714del), but otherwise preserves the integrity of the reading frame. This variant is not present in population databases (gnomAD no frequency). This variant has not been reported in the literature in individuals affected with DMD-related conditions. Experimental studies and prediction algorithms are not available or were not evaluated, and the functional significance of this variant is currently unknown. In summary, the available evidence is currently insufficient to determine the role of this variant in disease. Therefore, it has been classified as a Variant of Uncertain Significance.